The following is an entry in ClinVar:

ClinVar aggregate classification (germline): Likely benign. Review status: criteria provided, multiple submitters, no conflicts (2 of 4 stars). 2 submissions from 2 submitters: Likely benign (2). Last evaluated 2026-01-21.

Allele frequency attached by ClinVar (database versions not stated): ExAC 0.00023; gnomAD exomes 0.00030 and 0.00081; gnomAD 0.00044 and 0.00046; TOPMed 0.00046; ESP Exome Variant Server 0.00054.
gnomAD v4.1: 1,252 of 1,607,262 alleles (0.078%); highest among the groups gnomAD compares: Non-Finnish European, 0.099%; 1 homozygote.

Submissions (2):

Labcorp Genetics (formerly Invitae), Labcorp
Classification: Likely benign. Last evaluated: 2026-01-21. Review status: criteria provided, single submitter. Criteria: Invitae Variant Classification Sherloc (09022015). Collection method: clinical testing. Allele origin: germline.

GeneDx
Classification: Likely benign. Last evaluated: 2016-12-12. Review status: criteria provided, single submitter. Criteria: GeneDx Variant Classification (06012015). Collection method: clinical testing. Allele origin: germline. Affected: yes.
Comment: This variant is considered likely benign or benign based on one or more of the following criteria: it is a conservative change, it occurs at a poorly conserved position in the protein, it is predicted to be benign by multiple in silico algorithms, and/or has population frequency not consistent with disease.

NM_006831.3(CLP1):c.552G>C (p.Leu184=)

Gene: CLP1 (cleavage factor polyribonucleotide kinase subunit 1; plus strand). Cytogenetic location: 11q12.1.
Variant type: single nucleotide variant.
Coding change: c.552G>C on transcript NM_006831.3 (MANE Select); coding-DNA position 552, G replaced by C.
Protein change: p.Leu184=; no amino-acid change (leucine 184 retained).
Molecular consequence: synonymous variant. On other transcripts: intron variant (1).
Genome position (GRCh38, 1-based): chr11:57,660,028, G>C. VCF-style: chr11-57660028-G-C. GRCh37 (hg19) VCF-style: chr11-57427500-G-C.
Other names: c.414+138G>C (NM_001142597.2).
Identifiers: ClinVar variation 391528 (VCV000391528.10), dbSNP rs142476927, ClinGen allele CA6008541.